The following is an entry in ClinVar:

NM_001142966.3(GREB1L):c.4246A>C (p.Lys1416Gln)

Gene: GREB1L (GREB1 like retinoic acid receptor coactivator; plus strand). Cytogenetic location: 18q11.2.
Variant type: single nucleotide variant.
Coding change: c.4246A>C on transcript NM_001142966.3 (MANE Select); coding-DNA position 4246, A replaced by C.
Protein change: p.Lys1416Gln; replaces lysine 1416 with glutamine.
Molecular consequence: missense variant.
Genome position (GRCh38, 1-based): chr18:21,505,827, A>C. VCF-style: chr18-21505827-A-C. GRCh37 (hg19) VCF-style: chr18-19085788-A-C.
Other names: c.4375A>C, p.Lys1459Gln (NM_001410867.1); c.3919A>C, p.Lys1307Gln (NM_001410868.1); short protein forms K1307Q, K1416Q, K1459Q.
Identifiers: ClinVar variation 3901346 (VCV003901346.1).
Genomic context (GRCh38, chr18:21,505,827, plus strand): 5'-ACATGTTATCTCATGGGATGGCTTTTTGCCCCTTTATACACAGAAGTGATAAAGGAATCC[A>C]AAGTTGAAGAGCCCAGGAAACGGGAAACTGTATCCATAATGCTGACCAAATATGCAGCCT-3'
Protein context (NP_001136438.1, residues 1406-1426): GVKQEVIKES[Lys1416Gln]VEEPRKRETV

ClinVar aggregate classification (germline): Uncertain significance (1 of 4 stars; one submission).

gnomAD v4.1: 8 of 1,551,566 alleles (0.00052%); highest among the groups gnomAD compares: African/African-American, 0.011%; no homozygotes.

Submission:

GeneDx
Classification: Uncertain significance. Last evaluated: 2024-12-07. Review status: criteria provided, single submitter. Criteria: GeneDx Variant Classification Process June 2021. Collection method: clinical testing. Allele origin: germline. Affected: yes.
Comment: In silico analysis indicates that this missense variant does not alter protein structure/function; Has not been previously published as pathogenic or benign to our knowledge